The following is an entry in ClinVar:

NM_001267550.2(TTN):c.68663G>A (p.Trp22888Ter)

Genes: TTN (titin; minus strand), TTN-AS1 (TTN antisense RNA 1; plus strand). Cytogenetic location: 2q31.2.
Variant type: single nucleotide variant.
Coding change: c.68663G>A on transcript NM_001267550.2 (MANE Select); coding-DNA position 68663, G replaced by A.
Protein change: p.Trp22888Ter; replaces tryptophan 22888 with a stop codon.
Molecular consequence: nonsense.
Genome position (GRCh38, 1-based): chr2:178,577,763, C>T on the plus strand (G>A on the coding strand, the complement: TTN is on the minus strand). VCF-style: chr2-178577763-C-T. GRCh37 (hg19) VCF-style: chr2-179442490-C-T.
Other names: c.63740G>A, p.Trp21247Ter (NM_001256850.1); c.41468G>A, p.Trp13823Ter (NM_003319.4); c.60959G>A, p.Trp20320Ter (NM_133378.4); c.41843G>A, p.Trp13948Ter (NM_133432.3); c.42044G>A, p.Trp14015Ter (NM_133437.4); short protein forms W13823*, W13948*, W20320*, W21247*, W14015*, W22888*.
Identifiers: ClinVar variation 1510655 (VCV001510655.8), dbSNP rs2154174003, ClinGen allele CA349671442.
Genomic context (GRCh38, chr2:178,577,763, plus strand): 5'-TCAACAAGGTCAGTTACAGTAAAGGCACATTCTGGGACATTAACATGGTTGGCTTTCATC[C>T]AAGACTTCGAAGGTAGATCTCGCTTCTCCACTATATATCCAGTTAACTTATGACCACCGT-3'

ClinVar aggregate classification (germline): Likely pathogenic (1 of 4 stars; one submission).

Conditions:
Dilated cardiomyopathy 1G (CMD1G). Identifiers: Orphanet 154, MedGen C1858763, MONDO:0011400, OMIM 604145.
Autosomal recessive limb-girdle muscular dystrophy type 2J (LGMDR10). Also called: Limb-girdle muscular dystrophy, type 2J; MUSCULAR DYSTROPHY, LIMB-GIRDLE, AUTOSOMAL RECESSIVE 10. Identifiers: Orphanet 140922, MedGen C1837342, MONDO:0012127, OMIM 608807.

Submission:

Labcorp Genetics (formerly Invitae), Labcorp
Classification: Likely pathogenic for Dilated cardiomyopathy 1G; Autosomal recessive limb-girdle muscular dystrophy type 2J. Last evaluated: 2022-07-06. Review status: criteria provided, single submitter. Criteria: Invitae Variant Classification Sherloc (09022015). Collection method: clinical testing. Allele origin: germline.
Comment: In summary, the currently available evidence indicates that the variant is pathogenic, but additional data are needed to prove that conclusively. Therefore, this variant has been classified as Likely Pathogenic. This variant is located in the A band of TTN (PMID: 25589632). Truncating variants in this region are significantly overrepresented in patients affected with dilated cardiomyopathy (PMID: 25589632). Truncating variants in this region have also been reported in individuals affected with autosomal recessive centronuclear myopathy (PMID: 23975875). ClinVar contains an entry for this variant (Variation ID: 1510655). This variant has not been reported in the literature in individuals affected with TTN-related conditions. This variant is not present in population databases (gnomAD no frequency). This sequence change creates a premature translational stop signal (p.Trp22888*) in the TTN gene. While this is not anticipated to result in nonsense mediated decay, it is expected to create a truncated TTN protein.

Literature cited by the submitters: PubMed 25589632; PubMed 23975875.